The following is an entry in ClinVar:

ClinVar aggregate classification (germline): Pathogenic. Review status: no assertion criteria provided (0 of 4 stars). 2 submissions from 2 submitters: Pathogenic (2). Last evaluated 2009-04-07.

Conditions:
X-linked sideroblastic anemia with ataxia (SCAX6). Also called: SPINOCEREBELLAR ATAXIA, X-LINKED 6, WITH OR WITHOUT SIDEROBLASTIC ANEMIA. Identifiers: Orphanet 2802, MedGen C1845028, MONDO:0010524, OMIM 301310.

Submissions (2):

GeneReviews
Classification: Pathogenic for X-Linked Sideroblastic Anemia and Ataxia. Last evaluated: 2009-04-07. Review status: no assertion criteria provided. Collection method: curation. Allele origin: unknown.
ClinVar note: Converted during submission from pathologic to Pathogenic.

OMIM
Classification: Pathogenic for SPINOCEREBELLAR ATAXIA, X-LINKED 6, WITH SIDEROBLASTIC ANEMIA. Last evaluated: 2001-12-01. Review status: no assertion criteria provided. Collection method: literature only. Allele origin: germline.

Literature cited by the submitters: PubMed 11118249 (cited by OMIM); PubMed 11843825 (cited by OMIM).

NM_001271696.3(ABCB7):c.1231G>C (p.Val411Leu)

Gene: ABCB7 (ATP binding cassette subfamily B member 7; minus strand). Cytogenetic location: Xq13.3.
Variant type: single nucleotide variant.
Coding change: c.1231G>C on transcript NM_001271696.3 (MANE Select); coding-DNA position 1231, G replaced by C.
Protein change: p.Val411Leu; replaces valine 411 with leucine.
Molecular consequence: missense variant.
Genome position (GRCh38, 1-based): chrX:75,070,499, C>G on the plus strand (G>C on the coding strand, the complement: ABCB7 is on the minus strand). VCF-style: chrX-75070499-C-G. GRCh37 (hg19) VCF-style: chrX-74290334-C-G.
Other names: c.1111G>C, p.Val371Leu (NM_001271697.3); c.1153G>C, p.Val385Leu (NM_001271698.3); c.1114G>C, p.Val372Leu (NM_001271699.3); c.1234G>C, p.Val412Leu (NM_004299.6); short protein forms V411L, V412L, V371L, V372L, V385L.
Identifiers: ClinVar variation 11576 (VCV000011576.5), dbSNP rs80356713, ClinGen allele CA341105.